The following is an entry in ClinVar:

NM_000400.4(ERCC2):c.718+6G>T

Gene: ERCC2 (ERCC excision repair 2, TFIIH core complex helicase subunit; minus strand). Cytogenetic location: 19q13.32.
Variant type: single nucleotide variant.
Coding change: c.718+6G>T on transcript NM_000400.4 (MANE Select); 6 bases into the intron after coding-DNA position 718, G replaced by T.
Molecular consequence: intron variant.
Genome position (GRCh38, 1-based): chr19:45,364,418, C>A on the plus strand (G>T on the coding strand, the complement: ERCC2 is on the minus strand). VCF-style: chr19-45364418-C-A. GRCh37 (hg19) VCF-style: chr19-45867676-C-A.
Other names: c.646+6G>T (NM_001130867.2).
Identifiers: ClinVar variation 329525 (VCV000329525.20), dbSNP rs3916812, ClinGen allele CA9513675.

ClinVar aggregate classification (germline): Benign/Likely benign. Review status: criteria provided, multiple submitters, no conflicts (2 of 4 stars). 8 submissions from 8 submitters: Benign (5); Likely benign (1). 2 of the submissions do not count toward it. Last evaluated 2026-02-04.

Conditions:
Xeroderma pigmentosum, group D (XPD). Also called: ERCC2-Related Xeroderma Pigmentosum; XERODERMA PIGMENTOSUM, COMPLEMENTATION GROUP D; XERODERMA PIGMENTOSUM IV; XP, GROUP D; XP, GROUP H. Identifiers: MedGen C0268138, MONDO:0010212, OMIM 278730.

Allele frequency attached by ClinVar (database versions not stated): gnomAD 0.03107 and 0.03337; 1000 Genomes Project 30x 0.03654; ESP Exome Variant Server 0.03821; TOPMed 0.03362; 1000 Genomes Project 0.03514.
gnomAD v4.1: 9,720 of 1,613,908 alleles (0.6%); highest among the groups gnomAD compares: African/African-American, 11%; 480 homozygotes.

Submissions (8):

Labcorp Genetics (formerly Invitae), Labcorp
Classification: Benign. Last evaluated: 2026-02-04. Review status: criteria provided, single submitter. Criteria: Invitae Variant Classification Sherloc (09022015). Collection method: clinical testing. Allele origin: germline.

KCCC/NGS Laboratory, Kuwait Cancer Control Center
Classification: Likely benign for Xeroderma pigmentosum, group D. Last evaluated: 2023-07-07. Review status: criteria provided, single submitter. Criteria: ACMG Guidelines, 2015. Collection method: clinical testing. Allele origin: germline. Affected: yes.

GeneDx
Classification: Benign. Last evaluated: 2019-03-24. Review status: criteria provided, single submitter. Criteria: GeneDx Variant Classification Process June 2021. Collection method: clinical testing. Allele origin: germline. Affected: yes.

Athena Diagnostics
Classification: Benign. Last evaluated: 2018-11-12. Review status: criteria provided, single submitter. Criteria: Athena Diagnostics Criteria. Collection method: clinical testing. Allele origin: germline.

Illumina Laboratory Services, Illumina
Classification: Benign for Xeroderma pigmentosum, group D. Last evaluated: 2018-01-13. Review status: criteria provided, single submitter. Criteria: ICSL Variant Classification Criteria 13 December 2019. Collection method: clinical testing. Allele origin: germline.
Comment: This variant was observed in the ICSL laboratory as part of a predisposition screen in an ostensibly healthy population. It had not been previously curated by ICSL or reported in the Human Gene Mutation Database (HGMD: prior to June 1st, 2018), and was therefore a candidate for classification through an automated scoring system. Utilizing variant allele frequency, disease prevalence and penetrance estimates, and inheritance mode, an automated score was calculated to assess if this variant is too frequent to cause the disease. Based on the score and internal cut-off values, a variant classified as benign is not then subjected to further curation. The score for this variant resulted in a classification of benign for this disease.

Breakthrough Genomics
Classification: Benign. Review status: criteria provided, single submitter. Criteria: ACMG Guidelines, 2015. Collection method: not provided. Allele origin: germline. Inheritance: Autosomal recessive inheritance. Affected: yes.

Clinical Genetics DNA and cytogenetics Diagnostics Lab, Erasmus MC, Erasmus Medical Center
Classification: Benign. Review status: no assertion criteria provided. Collection method: clinical testing. Allele origin: germline. Affected: yes. Study: VKGL Data-share Consensus. Not counted in ClinVar's aggregate classification.

Genome Diagnostics Laboratory, Amsterdam University Medical Center
Classification: Benign. Review status: no assertion criteria provided. Collection method: clinical testing. Allele origin: germline. Affected: yes. Study: VKGL Data-share Consensus. Not counted in ClinVar's aggregate classification.